The following is an entry in ClinVar:

ClinVar aggregate classification (germline): Pathogenic. Review status: criteria provided, single submitter (1 of 4 stars). 2 submissions from 2 submitters: Pathogenic (1). 1 of the submissions does not count toward it. Last evaluated 2024-06-07.

Conditions:
Mucopolysaccharidosis, MPS-II (MPS2). Also called: IDS deficiency; Sulfoiduronate sulfatase deficiency; SIDS deficiency; Mucopolysaccharidosis type 2; Mucopolysaccharidosis Type II; Attenuated MPS (subtype; formerly known as mild MPS II). Identifiers: Orphanet 580, Orphanet 79388, MedGen C0026705, MONDO:0010674, OMIM 309900.

Submissions (2):

Laboratory of Diagnosis and Therapy of Lysosomal Disorders, University of Padova
Classification: Pathogenic for Mucopolysaccharidosis, MPS-II. Last evaluated: 2024-06-07. Review status: criteria provided, single submitter. Criteria: ACMG Guidelines, 2015. Collection method: literature only. Allele origin: germline. Affected: yes. Observed: 1 variant allele.
Comment: Absent from controls (or at low frequency) in gnomAD database (PM2_Moderate), Missense change at the same amino acid residue as a pathogenic variant (PM5_Moderate), Missense variant in a gene with a low rate of benign missense variation (PP2_Supporting), Multiple lines of computational evidence support a deleterious effect (PP3_Supporting), Patient’s phenotype or family history highly specific for the disease (PP4_Strong)

Classification method: ACMG Guidelines [PMID:25741868] with modifications

Laboratory of Inherited Metabolic Diseases, Research centre for medical genetics
Classification: Pathogenic for Mucopolysaccharidosis, type II; MPS2. Review status: no assertion criteria provided. Collection method: research. Allele origin: germline. Affected: yes. Not counted in ClinVar's aggregate classification.

Literature cited by the submitters: PubMed 33676511 (cited by Laboratory of Diagnosis and Therapy of Lysosomal Disorders, University of Padova).

NM_000202.8(IDS):c.283A>T (p.Arg95Trp)

Gene: IDS (iduronate 2-sulfatase; minus strand). Cytogenetic location: Xq28.
Variant type: single nucleotide variant.
Coding change: c.283A>T on transcript NM_000202.8 (MANE Select); coding-DNA position 283, A replaced by T.
Protein change: p.Arg95Trp; replaces arginine 95 with tryptophan.
Molecular consequence: missense variant. On other transcripts: non-coding transcript variant (1), splice acceptor variant (1).
Genome position (GRCh38, 1-based): chrX:149,503,447, T>A on the plus strand (A>T on the coding strand, the complement: IDS is on the minus strand). VCF-style: chrX-149503447-T-A. GRCh37 (hg19) VCF-style: chrX-148584977-T-A.
Other names: c.283A>T, p.Arg95Trp (NM_006123.5); c.15-2A>T (NM_001166550.4); short protein forms R95W.
Identifiers: ClinVar variation 988671 (VCV000988671.3), dbSNP rs2089497268, ClinGen allele CA414526688.